The following is an entry in ClinVar:

ClinVar aggregate classification (germline): Conflicting classifications of pathogenicity. Review status: criteria provided, conflicting classifications (1 of 4 stars). 3 submissions from 3 submitters: Uncertain significance (1); Likely benign (2). Last evaluated 2023-08-03.

Conditions:
Charcot-Marie-Tooth disease axonal type 2O. Also called: CHARCOT-MARIE-TOOTH NEUROPATHY, AXONAL, TYPE 2O; CHARCOT-MARIE-TOOTH DISEASE, AXONAL, AUTOSOMAL DOMINANT, TYPE 2O; Charcot-Marie-Tooth disease, axonal, type 20; Charcot-Marie-Tooth Neuropathy Type 2O. Identifiers: Orphanet 284232, MedGen C3280220, MONDO:0013644, OMIM 614228.

gnomAD v4.1: 1 of 1,613,930 alleles (0.000062%); no homozygotes.

Submissions (3):

Labcorp Genetics (formerly Invitae), Labcorp
Classification: Likely benign for Charcot-Marie-Tooth disease axonal type 2O. Last evaluated: 2023-08-03. Review status: criteria provided, single submitter. Criteria: Invitae Variant Classification Sherloc (09022015). Collection method: clinical testing. Allele origin: germline.

GeneDx
Classification: Likely benign. Last evaluated: 2018-01-19. Review status: criteria provided, single submitter. Criteria: GeneDx Variant Classification (06012015). Collection method: clinical testing. Allele origin: germline. Affected: yes.
Comment: This variant is considered likely benign or benign based on one or more of the following criteria: it is a conservative change, it occurs at a poorly conserved position in the protein, it is predicted to be benign by multiple in silico algorithms, and/or has population frequency not consistent with disease.

Genetic Services Laboratory, University of Chicago
Classification: Uncertain significance. Last evaluated: 2017-10-12. Review status: criteria provided, single submitter. Criteria: ACMG Guidelines, 2015. Collection method: clinical testing. Allele origin: germline. Affected: no.

NM_001376.5(DYNC1H1):c.13548G>C (p.Val4516=)

Gene: DYNC1H1 (dynein cytoplasmic 1 heavy chain 1; plus strand). Cytogenetic location: 14q32.31.
Variant type: single nucleotide variant.
Coding change: c.13548G>C on transcript NM_001376.5 (MANE Select); coding-DNA position 13548, G replaced by C.
Protein change: p.Val4516=; no amino-acid change (valine 4516 retained).
Molecular consequence: synonymous variant.
Genome position (GRCh38, 1-based): chr14:102,049,746, G>C. VCF-style: chr14-102049746-G-C. GRCh37 (hg19) VCF-style: chr14-102516083-G-C.
Identifiers: ClinVar variation 514833 (VCV000514833.9), dbSNP rs1555412737, ClinGen allele CA488186949.
Genomic context (GRCh38, chr14:102,049,746, plus strand): 5'-TTCCCCTGGGGGCTGCTGCTTTCCACAGAACATCCACGTGTGCCTGGGTGGCCTGTTCGT[G>C]CCTGAGGCGTACATCACTGCCACCAGGCAGTATGTGGCCCAGGCCAACAGCTGGTCCCTG-3'
Protein context (NP_001367.2, residues 4506-4526): NIHVCLGGLF[Val4516=]PEAYITATRQ